The following is an entry in ClinVar:

NM_052947.4(ALPK2):c.3911A>T (p.Glu1304Val)

Genes: ALPK2 (alpha kinase 2; minus strand), LOC126862764 (BRD4-independent group 4 enhancer GRCh37_chr18:56202574-56203773; plus strand). Cytogenetic location: 18q21.31.
Variant type: single nucleotide variant.
Coding change: c.3911A>T on transcript NM_052947.4 (MANE Select); coding-DNA position 3911, A replaced by T.
Protein change: p.Glu1304Val; replaces glutamic acid 1304 with valine.
Molecular consequence: missense variant.
Genome position (GRCh38, 1-based): chr18:58,536,276, T>A on the plus strand (A>T on the coding strand, the complement: ALPK2 is on the minus strand). VCF-style: chr18-58536276-T-A. GRCh37 (hg19) VCF-style: chr18-56203508-T-A.
Other names: short protein forms E1304V.
Identifiers: ClinVar variation 1736120 (VCV001736120.3), dbSNP rs2518875746, ClinGen allele CA402565225.

ClinVar aggregate classification (germline): Uncertain significance (1 of 4 stars; one submission).

Submission:

Ambry Genetics
Classification: Uncertain significance. Last evaluated: 2024-04-06. Review status: criteria provided, single submitter. Criteria: Ambry Variant Classification Scheme 2023. Collection method: clinical testing. Allele origin: germline.
Comment: The p.E1304V variant (also known as c.3911A>T), located in coding exon 4 of the ALPK2 gene, results from an A to T substitution at nucleotide position 3911. The glutamic acid at codon 1304 is replaced by valine, an amino acid with dissimilar properties. This amino acid position is conserved. In addition, this alteration is predicted to be tolerated by in silico analysis. Since supporting evidence is limited at this time, the clinical significance of this alteration remains unclear.